The following is an entry in ClinVar:

NM_001048166.1(STIL):c.640C>A (p.Leu214Met)

Gene: STIL (STIL centriolar assembly protein; minus strand). Cytogenetic location: 1p33.
Variant type: single nucleotide variant.
Coding change: c.640C>A on transcript NM_001048166.1 (MANE Select); coding-DNA position 640, C replaced by A.
Protein change: p.Leu214Met; replaces leucine 214 with methionine.
Molecular consequence: missense variant.
Genome position (GRCh38, 1-based): chr1:47,299,966, G>T on the plus strand (C>A on the coding strand, the complement: STIL is on the minus strand). VCF-style: chr1-47299966-G-T. GRCh37 (hg19) VCF-style: chr1-47765638-G-T.
Other names: c.640C>A, p.Leu214Met (NM_001282936.1, NM_001282937.1, NM_003035.2); c.499C>A, p.Leu167Met (NM_001282938.1, NM_001282939.1, NM_001377417.1); c.[640C>A] (NM_003035.2); short protein forms L167M, L214M.
Identifiers: ClinVar variation 1339148 (VCV001339148.2), dbSNP rs2149181327, ClinGen allele CA340252676.
Genomic context (GRCh38, chr1:47,299,966, plus strand): 5'-CATATTTATAAGTCCCTTGAACTTGAGAAATATTCAGATTACTGCTCAAGTTTCTTGCCA[G>T]AGCTGTTGGAATAATGGGGATGGGCTTCACAGGTGTGCATTTAAAGTTATTTGCTAGAGT-3'
Protein context (NP_001041631.1, residues 204-224): VKPIPIIPTA[Leu214Met]ARNLSSNLNI

ClinVar aggregate classification (germline): Uncertain significance (1 of 4 stars; one submission).

Conditions:
Microcephaly 7, primary, autosomal recessive. Identifiers: Orphanet 2512, MedGen C2675187, MONDO:0012989, OMIM 612703.

Submission:

Neuberg Centre For Genomic Medicine, NCGM
Classification: Uncertain significance for Microcephaly 7, primary, autosomal recessive. Review status: criteria provided, single submitter. Criteria: ACMG Guidelines, 2015. Collection method: clinical testing. Allele origin: germline. Affected: yes.
Comment: The missense variant p.L214M in STIL (NM_003035.2) has not been reported previously as a pathogenic variant nor as a benign variant, to our knowledge. The p.L214M variant is novel (not in any individuals) in gnomAD Exomes and is novel (not in any individuals) in 1000 Genomes. There is a small physicochemical difference between leucine and methionine, which is not likely to impact secondary protein structure as these residues share similar properties. The p.L214M missense variant is predicted to be damaging by both SIFT and PolyPhen2. The leucine residue at codon 214 of STIL is conserved in all mammalian species. The nucleotide c.640 in STIL is predicted conserved by GERP++ and PhyloP across 100 vertebrates. For these reasons, this variant has been classified as Uncertain Significance.